The following is an entry in ClinVar:

ClinVar aggregate classification (germline): Conflicting classifications of pathogenicity. Review status: criteria provided, conflicting classifications (1 of 4 stars). 3 submissions from 3 submitters: Uncertain significance (1); Likely benign (2). Last evaluated 2026-06-10.

Conditions:
WDR1-related disorder. Also called: WDR1-related condition.

Allele frequency attached by ClinVar (database versions not stated): gnomAD exomes 0.00006 and 0.00013; ExAC 0.00018; 1000 Genomes Project 0.00040; 1000 Genomes Project 30x 0.00047; ESP Exome Variant Server 0.00049; gnomAD 0.00054 and 0.00059; TOPMed 0.00059.
gnomAD v4.1: 173 of 1,612,796 alleles (0.011%); highest among the groups gnomAD compares: African/African-American, 0.19%; no homozygotes.

Submissions (3):

PreventionGenetics, part of Exact Sciences
Classification: Likely benign for WDR1-related condition. Last evaluated: 2026-06-10. Review status: criteria provided, single submitter. Criteria: ACMG Guidelines, 2015. Collection method: clinical testing. Allele origin: germline.
Comment: This variant is classified as likely benign based on ACMG/AMP sequence variant interpretation guidelines (Richards et al. 2015 PMID: 25741868, with internal and published modifications).

Blueprint Genetics
Classification: Likely benign. Last evaluated: 2024-06-10. Review status: criteria provided, single submitter. Criteria: ACMG Guidelines, 2015. Collection method: clinical testing. Allele origin: germline.

Labcorp Genetics (formerly Invitae), Labcorp
Classification: Uncertain significance. Last evaluated: 2022-11-01. Review status: criteria provided, single submitter. Criteria: Invitae Variant Classification Sherloc (09022015). Collection method: clinical testing. Allele origin: germline.
Comment: This sequence change replaces glycine, which is neutral and non-polar, with serine, which is neutral and polar, at codon 456 of the WDR1 protein (p.Gly456Ser). This variant is present in population databases (rs201687763, gnomAD 0.2%). This variant has not been reported in the literature in individuals affected with WDR1-related conditions. ClinVar contains an entry for this variant (Variation ID: 1390666). Algorithms developed to predict the effect of missense changes on protein structure and function output the following: SIFT: "Tolerated"; PolyPhen-2: "Benign"; Align-GVGD: "Class C0". The serine amino acid residue is found in multiple mammalian species, which suggests that this missense change does not adversely affect protein function. In summary, the available evidence is currently insufficient to determine the role of this variant in disease. Therefore, it has been classified as a Variant of Uncertain Significance.

NM_017491.5(WDR1):c.1366G>A (p.Gly456Ser)

Gene: WDR1 (WD repeat domain 1; minus strand). Cytogenetic location: 4p16.1.
Variant type: single nucleotide variant.
Coding change: c.1366G>A on transcript NM_017491.5 (MANE Select); coding-DNA position 1366, G replaced by A.
Protein change: p.Gly456Ser; replaces glycine 456 with serine.
Molecular consequence: missense variant.
Genome position (GRCh38, 1-based): chr4:10,078,920, C>T on the plus strand (G>A on the coding strand, the complement: WDR1 is on the minus strand). VCF-style: chr4-10078920-C-T. GRCh37 (hg19) VCF-style: chr4-10080544-C-T.
Other names: c.946G>A, p.Gly316Ser (NM_005112.5); c.1366G>A (NM_017491.3); short protein forms G456S, G316S.
Identifiers: ClinVar variation 1390666 (VCV001390666.5), dbSNP rs201687763, ClinGen allele CA2857602.